The following is an entry in ClinVar:

NM_014946.4(SPAST):c.1258G>C (p.Glu420Gln)

Gene: SPAST (spastin; plus strand). Cytogenetic location: 2p22.3.
Variant type: single nucleotide variant.
Coding change: c.1258G>C on transcript NM_014946.4 (MANE Select); coding-DNA position 1258, G replaced by C.
Protein change: p.Glu420Gln; replaces glutamic acid 420 with glutamine.
Molecular consequence: missense variant.
Genome position (GRCh38, 1-based): chr2:32,136,575, G>C. VCF-style: chr2-32136575-G-C. GRCh37 (hg19) VCF-style: chr2-32361644-G-C.
Other names: c.1255G>C, p.Glu419Gln (NM_001363823.2); c.1159G>C, p.Glu387Gln (NM_001363875.2); c.1162G>C, p.Glu388Gln (NM_001377959.1, NM_199436.2); short protein forms E420Q, E419Q, E388Q, E387Q.
Identifiers: ClinVar variation 576595 (VCV000576595.8), dbSNP rs1558336551, ClinGen allele CA346501860.
Genomic context (GRCh38, chr2:32,136,575, plus strand): 5'-GAATAATGTTGCATTTTATGTGTATAACAGTATAATGCTTTGTTTTAGGTGGGAGAAGGA[G>C]AGAAATTGGTGAGGGCTCTTTTTGCTGTGGCTCGAGAACTTCAACCTTCTATAATTTTTA-3'
Protein context (NP_055761.2, residues 410-430): SLTSKYVGEG[Glu420Gln]KLVRALFAVA

ClinVar aggregate classification (germline): Pathogenic (1 of 4 stars; one submission).

Conditions:
Hereditary spastic paraplegia 4. Also called: Familial spastic paraplegia autosomal dominant 2; Spastic paraplegia 4, autosomal dominant; Spastic Paraplegia 4. Identifiers: Orphanet 100985, MedGen C1866855, MONDO:0008438, OMIM 182601.

Submission:

Labcorp Genetics (formerly Invitae), Labcorp
Classification: Pathogenic for Hereditary spastic paraplegia 4. Last evaluated: 2022-11-07. Review status: criteria provided, single submitter. Criteria: Invitae Variant Classification Sherloc (09022015). Collection method: clinical testing. Allele origin: germline.
Comment: This missense change has been observed in individual(s) with SPAST-related conditions (PMID: 35020098; Invitae). In at least one individual the variant was observed to be de novo. This sequence change replaces glutamic acid, which is acidic and polar, with glutamine, which is neutral and polar, at codon 420 of the SPAST protein (p.Glu420Gln). This variant is not present in population databases (gnomAD no frequency). Advanced modeling of protein sequence and biophysical properties (such as structural, functional, and spatial information, amino acid conservation, physicochemical variation, residue mobility, and thermodynamic stability) performed at Invitae indicates that this missense variant is expected to disrupt SPAST protein function. For these reasons, this variant has been classified as Pathogenic. ClinVar contains an entry for this variant (Variation ID: 576595).

Literature cited by the submitters: PubMed 35020098.